The following is an entry in ClinVar:

NM_001267550.2(TTN):c.80809_80812delinsACCTCA (p.Leu26937fs)

Genes: TTN (titin; minus strand), TTN-AS1 (TTN antisense RNA 1; plus strand). Cytogenetic location: 2q31.2.
Variant type: Indel.
Coding change: c.80809_80812delinsACCTCA on transcript NM_001267550.2 (MANE Select); coding-DNA positions 80809 to 80812, TTGC replaced by ACCTCA.
Protein change: p.Leu26937fs; shifts the reading frame from leucine 26937.
Molecular consequence: frameshift variant.
Genome position (GRCh38, 1-based): chr2:178,565,320-178,565,323, GCAA replaced by TGAGGT on the plus strand (TTGC replaced by ACCTCA on the coding strand, the reverse complement: TTN is on the minus strand). VCF-style: chr2-178565320-GCAA-TGAGGT. GRCh37 (hg19) VCF-style: chr2-179430047-GCAA-TGAGGT.
Other names: c.75886_75889delinsACCTCA, p.Leu25296fs (NM_001256850.1); c.53614_53617delinsACCTCA, p.Leu17872fs (NM_003319.4); c.73105_73108delinsACCTCA, p.Leu24369fs (NM_133378.4); c.53989_53992delinsACCTCA, p.Leu17997fs (NM_133432.3); c.54190_54193delinsACCTCA, p.Leu18064fs (NM_133437.4); short protein forms L17872fs, L17997fs, L18064fs, L24369fs, L25296fs, L26937fs.
Identifiers: ClinVar variation 3764732 (VCV003764732.3).

ClinVar aggregate classification (germline): Likely pathogenic (1 of 4 stars; one submission).

Conditions:
Early-onset myopathy with fatal cardiomyopathy (CMYO5). Also called: Salih Myopathy; CONGENITAL MYOPATHY 5 WITH CARDIOMYOPATHY. Identifiers: Orphanet 289377, MedGen C2673677, MONDO:0012714, OMIM 611705. Disease mechanism: loss of function.
Dilated cardiomyopathy 1G (CMD1G). Identifiers: Orphanet 154, MedGen C1858763, MONDO:0011400, OMIM 604145.
Myopathy, myofibrillar, 9, with early respiratory failure (MFM9). Also called: EDSTROM MYOPATHY; MYOPATHY, PROXIMAL, WITH EARLY RESPIRATORY MUSCLE INVOLVEMENT; Hereditary myopathy with early respiratory failure; Myopathy, distal, with early respiratory failure, autosomal dominant. Identifiers: Orphanet 178464, Orphanet 34521, MedGen C1863599, MONDO:0011362, OMIM 603689.
Autosomal recessive limb-girdle muscular dystrophy type 2J (LGMDR10). Also called: Limb-girdle muscular dystrophy, type 2J; MUSCULAR DYSTROPHY, LIMB-GIRDLE, AUTOSOMAL RECESSIVE 10. Identifiers: Orphanet 140922, MedGen C1837342, MONDO:0012127, OMIM 608807.
Hypertrophic cardiomyopathy 9. Also called: Familial hypertrophic cardiomyopathy 9. Identifiers: MedGen C1861065, MONDO:0013412, OMIM 613765.
Tibial muscular dystrophy (TMD). Also called: UDD MYOPATHY; Tibial muscular dystrophy, tardive; Udd Distal Myopathy – Tibial Muscular Dystrophy. Identifiers: Orphanet 609, MedGen C1838244, MONDO:0010870, OMIM 600334.

Submission:

Juno Genomics, Hangzhou Juno Genomics, Inc
Classification: Likely pathogenic for Tibial muscular dystrophy; Early-onset myopathy with fatal cardiomyopathy; Dilated cardiomyopathy 1G; Hypertrophic cardiomyopathy 9; Autosomal recessive limb-girdle muscular dystrophy type 2J; Myopathy, myofibrillar, 9, with early respiratory failure. Review status: criteria provided, single submitter. Criteria: ACMG Guidelines, 2015. Collection method: clinical testing. Allele origin: germline.
Comment: Absent from controls (or at extremely low frequency if recessive) in Genome Aggregation Database.;Null variant in a gene where loss of function (LOF) is a known mechanism of disease.